The following is an entry in ClinVar:

ClinVar aggregate classification (germline): Uncertain significance. Review status: criteria provided, multiple submitters, no conflicts (2 of 4 stars). 3 submissions from 3 submitters: Uncertain significance (2). 1 of the submissions does not count toward it. Last evaluated 2022-05-17.

Conditions:
Autosomal recessive nonsyndromic hearing loss 2. Also called: DEAFNESS, AUTOSOMAL RECESSIVE 2; NEUROSENSORY NONSYNDROMIC RECESSIVE DEAFNESS 2. Identifiers: Orphanet 90636, MedGen C1838701, MONDO:0010807, OMIM 600060.
Usher syndrome type 1 (USH1). Also called: RETINITIS PIGMENTOSA AND CONGENITAL DEAFNESS. Identifiers: Orphanet 231169, Orphanet 886, MedGen C1568247, MONDO:0010168, OMIM 276900.
Autosomal dominant nonsyndromic hearing loss 11. Identifiers: Orphanet 90635, MedGen C1832475, MONDO:0011032, OMIM 601317.

Allele frequency attached by ClinVar (database versions not stated): gnomAD 0.00001; gnomAD exomes 0.00002; TOPMed 0.00002; ExAC 0.00008.
gnomAD v4.1: 14 of 1,610,062 alleles (0.00087%); highest among the groups gnomAD compares: East Asian, 0.011%; no homozygotes.

Submissions (3):

Labcorp Genetics (formerly Invitae), Labcorp
Classification: Uncertain significance. Last evaluated: 2022-05-17. Review status: criteria provided, single submitter. Criteria: Invitae Variant Classification Sherloc (09022015). Collection method: clinical testing. Allele origin: germline.
Comment: This sequence change replaces arginine, which is basic and polar, with tryptophan, which is neutral and slightly polar, at codon 756 of the MYO7A protein (p.Arg756Trp). This variant is present in population databases (rs782174733, gnomAD 0.01%). This missense change has been observed in individual(s) with clinical features of Usher syndrome (PMID: 15660226). ClinVar contains an entry for this variant (Variation ID: 551301). Advanced modeling of protein sequence and biophysical properties (such as structural, functional, and spatial information, amino acid conservation, physicochemical variation, residue mobility, and thermodynamic stability) performed at Invitae indicates that this missense variant is expected to disrupt MYO7A protein function. In summary, the available evidence is currently insufficient to determine the role of this variant in disease. Therefore, it has been classified as a Variant of Uncertain Significance.

Fulgent Genetics
Classification: Uncertain significance for Usher syndrome type 1; Autosomal recessive nonsyndromic hearing loss 2; Autosomal dominant nonsyndromic hearing loss 11. Last evaluated: 2022-04-04. Review status: criteria provided, single submitter. Criteria: ACMG Guidelines, 2015. Collection method: clinical testing. Allele origin: unknown.

Counsyl
Classification: Uncertain significance for Usher syndrome type 1; Autosomal recessive nonsyndromic hearing loss 2. Last evaluated: 2017-03-29. Review status: no assertion criteria provided. Collection method: clinical testing. Allele origin: unknown. Not counted in ClinVar's aggregate classification.

Literature cited by the submitters: PubMed 15660226 (cited by Labcorp Genetics (formerly Invitae), Labcorp and Counsyl); PubMed 24853665 (cited by Counsyl); PubMed 19156839 (cited by Counsyl).

NM_000260.4(MYO7A):c.2266C>T (p.Arg756Trp)

Gene: MYO7A (myosin VIIA; plus strand). Cytogenetic location: 11q13.5.
Variant type: single nucleotide variant.
Coding change: c.2266C>T on transcript NM_000260.4 (MANE Select); coding-DNA position 2266, C replaced by T.
Protein change: p.Arg756Trp; replaces arginine 756 with tryptophan.
Molecular consequence: missense variant.
Genome position (GRCh38, 1-based): chr11:77,177,627, C>T. VCF-style: chr11-77177627-C-T. GRCh37 (hg19) VCF-style: chr11-76888673-C-T.
Other names: c.2266C>T, p.Arg756Trp (NM_001127180.2); c.2233C>T, p.Arg745Trp (NM_001369365.1); short protein forms R756W, R745W.
Identifiers: ClinVar variation 551301 (VCV000551301.5), dbSNP rs782174733, ClinGen allele CA6197772.